The following is an entry in ClinVar:

NM_000302.4(PLOD1):c.169-53C>G

Gene: PLOD1 (procollagen-lysine,2-oxoglutarate 5-dioxygenase 1; plus strand). Cytogenetic location: 1p36.22.
Variant type: single nucleotide variant.
Coding change: c.169-53C>G on transcript NM_000302.4 (MANE Select); 53 bases into the intron before coding-DNA position 169, C replaced by G.
Molecular consequence: intron variant.
Genome position (GRCh38, 1-based): chr1:11,949,720, C>G. VCF-style: chr1-11949720-C-G. GRCh37 (hg19) VCF-style: chr1-12009777-C-G.
Other names: c.310-53C>G (NM_001316320.2).
Identifiers: ClinVar variation 678728 (VCV000678728.2), dbSNP rs114595968, ClinGen allele CA17998729.

ClinVar aggregate classification (germline): Benign. Review status: criteria provided, multiple submitters, no conflicts (2 of 4 stars). 2 submissions from 2 submitters: Benign (2). Last evaluated 2018-06-16.

Allele frequency attached by ClinVar (database versions not stated): gnomAD 0.02409; 1000 Genomes Project 30x 0.02842; TOPMed 0.02731; 1000 Genomes Project 0.02736.
gnomAD v4.1: 21,798 of 1,596,432 alleles (1.4%); highest among the groups gnomAD compares: African/African-American, 6.5%; 295 homozygotes.

Submissions (2):

GeneDx
Classification: Benign. Last evaluated: 2018-06-16. Review status: criteria provided, single submitter. Criteria: GeneDx Variant Classification (06012015). Collection method: clinical testing. Allele origin: germline. Affected: yes.
Comment: This variant is considered likely benign or benign based on one or more of the following criteria: it is a conservative change, it occurs at a poorly conserved position in the protein, it is predicted to be benign by multiple in silico algorithms, and/or has population frequency not consistent with disease.

Breakthrough Genomics
Classification: Benign. Review status: criteria provided, single submitter. Criteria: ACMG Guidelines, 2015. Collection method: not provided. Allele origin: germline. Inheritance: Autosomal recessive inheritance. Affected: yes.